The following is an entry in ClinVar:

ClinVar aggregate classification (germline): Uncertain significance (1 of 4 stars; one submission).

Conditions:
Megalencephaly-polymicrogyria-postaxial polydactyly-hydrocephalus syndrome. Also called: MPPH Syndrome; MEG-PMG-MEGACC SYNDROME. Identifiers: Orphanet 83473, MedGen C1863924, MONDO:0019375.

Submission:

Labcorp Genetics (formerly Invitae), Labcorp
Classification: Uncertain significance for Megalencephaly-polymicrogyria-postaxial polydactyly-hydrocephalus syndrome. Last evaluated: 2023-09-25. Review status: criteria provided, single submitter. Criteria: Invitae Variant Classification Sherloc (09022015). Collection method: clinical testing. Allele origin: germline.
Comment: This sequence change replaces glycine, which is neutral and non-polar, with glutamic acid, which is acidic and polar, at codon 663 of the PIK3R2 protein (p.Gly663Glu). Information on the frequency of this variant in the gnomAD database is not available, as this variant may be reported differently in the database. This variant has not been reported in the literature in individuals affected with PIK3R2-related conditions. An algorithm developed to predict the effect of missense changes on protein structure and function (PolyPhen-2) suggests that this variant is likely to be disruptive. In summary, the available evidence is currently insufficient to determine the role of this variant in disease. Therefore, it has been classified as a Variant of Uncertain Significance.

NM_005027.4(PIK3R2):c.1988_1989delinsAA (p.Gly663Glu)

Gene: PIK3R2 (phosphoinositide-3-kinase regulatory subunit 2; plus strand). Cytogenetic location: 19p13.11.
Variant type: Indel.
Coding change: c.1988_1989delinsAA on transcript NM_005027.4 (MANE Select); coding-DNA positions 1988 to 1989, GC replaced by AA.
Protein change: p.Gly663Glu; replaces glycine 663 with glutamic acid.
Molecular consequence: missense variant. On other transcripts: non-coding transcript variant (2).
Genome position (GRCh38, 1-based): chr19:18,169,095-18,169,096, GC replaced by AA. VCF-style: chr19-18169095-GC-AA. GRCh37 (hg19) VCF-style: chr19-18279905-GC-AA.
Other names: short protein forms G663E.
Identifiers: ClinVar variation 2763171 (VCV002763171.3), dbSNP rs2513573733, ClinGen allele CA2697556411.